The following is an entry in ClinVar:

ClinVar aggregate classification (germline): Uncertain significance. Review status: criteria provided, multiple submitters, no conflicts (2 of 4 stars). 2 submissions from 2 submitters: Uncertain significance (2). Last evaluated 2022-04-21.

Conditions:
Inborn genetic diseases. Identifiers: MedGen C0950123, MeSH D030342.

Allele frequency attached by ClinVar (database versions not stated): gnomAD 0.00001; gnomAD exomes 0.00001; TOPMed 0.00001.
gnomAD v4.1: 16 of 1,211,238 alleles (0.0013%); highest among the groups gnomAD compares: Middle Eastern, 0.23%; no homozygotes.

Submissions (2):

Women's Health and Genetics/Laboratory Corporation of America, LabCorp
Classification: Uncertain significance. Last evaluated: 2022-04-21. Review status: criteria provided, single submitter. Criteria: LabCorp Variant Classification Summary - May 2015. Collection method: clinical testing. Allele origin: germline.
Comment: Variant summary: UPF3B c.76G>A (p.Gly26Ser) results in a non-conservative amino acid change in the encoded protein sequence. Four of five in-silico tools predict a benign effect of the variant on protein function. The variant allele was found at a frequency of 5.5e-06 in 183114 control chromosomes. The available data on variant occurrences in the general population are insufficient to allow any conclusion about variant significance. To our knowledge, no occurrence of c.76G>A in individuals affected with Syndromic X-Linked Intellectual Disability 14 and no experimental evidence demonstrating its impact on protein function have been reported. No clinical diagnostic laboratories have submitted clinical-significance assessments for this variant to ClinVar after 2014. Based on the evidence outlined above, the variant was classified as uncertain significance.

Ambry Genetics
Classification: Uncertain significance for Inborn genetic diseases. Last evaluated: 2018-05-09. Review status: criteria provided, single submitter. Criteria: Ambry Variant Classification Scheme 2023. Collection method: clinical testing. Allele origin: germline.
Comment: The p.G26S variant (also known as c.76G>A), located in coding exon 1 of the UPF3B gene, results from a G to A substitution at nucleotide position 76. The glycine at codon 26 is replaced by serine, an amino acid with similar properties. This amino acid position is not well conserved in available vertebrate species, and serine is the reference amino acid in other vertebrate species. In addition, this alteration is predicted to be tolerated by in silico analysis. Since supporting evidence is limited at this time, the clinical significance of this alteration remains unclear.

NM_080632.3(UPF3B):c.76G>A (p.Gly26Ser)

Gene: UPF3B (UPF3B regulator of nonsense mediated mRNA decay; minus strand). Cytogenetic location: Xq24.
Variant type: single nucleotide variant.
Coding change: c.76G>A on transcript NM_080632.3 (MANE Select); coding-DNA position 76, G replaced by A.
Protein change: p.Gly26Ser; replaces glycine 26 with serine.
Molecular consequence: missense variant.
Genome position (GRCh38, 1-based): chrX:119,852,853, C>T on the plus strand (G>A on the coding strand, the complement: UPF3B is on the minus strand). VCF-style: chrX-119852853-C-T. GRCh37 (hg19) VCF-style: chrX-118986816-C-T.
Other names: c.76G>A, p.Gly26Ser (NM_023010.4); short protein forms G26S.
Identifiers: ClinVar variation 1683389 (VCV001683389.3), dbSNP rs1050045607, ClinGen allele CA334132215.